The following is an entry in ClinVar:

ClinVar aggregate classification (germline): Uncertain significance. Review status: criteria provided, multiple submitters, no conflicts (2 of 4 stars). 2 submissions from 2 submitters: Uncertain significance (2). Last evaluated 2025-10-18.

Allele frequency attached by ClinVar (database versions not stated): gnomAD 0.00005; gnomAD exomes 0.00005 and 0.00009; TOPMed 0.00005; ExAC 0.00007; ESP Exome Variant Server 0.00023.
gnomAD v4.1: 127 of 1,588,292 alleles (0.008%); highest among the groups gnomAD compares: East Asian, 0.012%; no homozygotes.

Submissions (2):

Ambry Genetics
Classification: Uncertain significance. Last evaluated: 2025-10-18. Review status: criteria provided, single submitter. Criteria: Ambry Variant Classification Scheme 2023. Collection method: clinical testing. Allele origin: germline.

Labcorp Genetics (formerly Invitae), Labcorp
Classification: Uncertain significance. Last evaluated: 2025-09-03. Review status: criteria provided, single submitter. Criteria: Invitae Variant Classification Sherloc (09022015). Collection method: clinical testing. Allele origin: germline.
Comment: This sequence change replaces threonine, which is neutral and polar, with methionine, which is neutral and non-polar, at codon 417 of the MKL1 protein (p.Thr417Met). This variant is present in population databases (rs373098603, gnomAD 0.01%). This variant has not been reported in the literature in individuals affected with MKL1-related conditions. ClinVar contains an entry for this variant (Variation ID: 1683073). An algorithm developed to predict the effect of missense changes on protein structure and function (PolyPhen-2) suggests that this variant is likely to be tolerated. In summary, the available evidence is currently insufficient to determine the role of this variant in disease. Therefore, it has been classified as a Variant of Uncertain Significance.

NM_020831.6(MRTFA):c.1550C>T (p.Thr517Met)

Gene: MRTFA (myocardin related transcription factor A; minus strand). Cytogenetic location: 22q13.1.
Variant type: single nucleotide variant.
Coding change: c.1550C>T on transcript NM_020831.6 (MANE Select); coding-DNA position 1550, C replaced by T.
Protein change: p.Thr517Met; replaces threonine 517 with methionine.
Molecular consequence: missense variant.
Genome position (GRCh38, 1-based): chr22:40,419,188, G>A on the plus strand (C>T on the coding strand, the complement: MRTFA is on the minus strand). VCF-style: chr22-40419188-G-A. GRCh37 (hg19) VCF-style: chr22-40815192-G-A.
Other names: c.1250C>T, p.Thr417Met (NM_001282660.2); c.1400C>T, p.Thr467Met (NM_001282661.3); c.1550C>T, p.Thr517Met (NM_001282662.3); c.1355C>T, p.Thr452Met (NM_001318139.2); c.1250C>T (NM_020831.3); short protein forms T417M, T452M, T467M, T517M.
Identifiers: ClinVar variation 1683073 (VCV001683073.7), dbSNP rs373098603, ClinGen allele CA10249645.